The following is an entry in ClinVar:

ClinVar aggregate classification (germline): Uncertain significance (1 of 4 stars; one submission).

Conditions:
Gillespie syndrome (GLSP). Also called: Aniridia, cerebellar ataxia, and mental deficiency; Aniridia-cerebellar ataxia-intellectual disability syndrome. Identifiers: Orphanet 1065, MedGen C0431401, MONDO:0008795, OMIM 206700.

Submission:

Neuberg Centre For Genomic Medicine, NCGM
Classification: Uncertain significance for Gillespie syndrome. Review status: criteria provided, single submitter. Criteria: ACMG Guidelines, 2015. Collection method: clinical testing. Allele origin: germline. Inheritance: Autosomal dominant inheritance. Affected: yes.
Comment: The missense variant c.4358G>T (p.Cys1453Phe) in ITPR1 gene has not been reported previously as a pathogenic variant nor as a benign variant, to our knowledge. This variant is novel (not in any individuals) in gnomAD Exomes and 1000 Genomes databases. The amino acid Cysteine at position 1453 is changed to a Phenylalanine changing protein sequence and it might alter its composition and physico-chemical properties. The variant is predicted to be damaging by both SIFT and PolyPhen2. The residue is conserved across species. For these reasons, this variant has been classified as Uncertain Significance.

NM_001378452.1(ITPR1):c.4403G>T (p.Cys1468Phe)

Gene: ITPR1 (inositol 1,4,5-trisphosphate receptor type 1; plus strand). Cytogenetic location: 3p26.1.
Variant type: single nucleotide variant.
Coding change: c.4403G>T on transcript NM_001378452.1 (MANE Select); coding-DNA position 4403, G replaced by T.
Protein change: p.Cys1468Phe; replaces cysteine 1468 with phenylalanine.
Molecular consequence: missense variant.
Genome position (GRCh38, 1-based): chr3:4,697,268, G>T. VCF-style: chr3-4697268-G-T. GRCh37 (hg19) VCF-style: chr3-4738952-G-T.
Other names: c.4376G>T, p.Cys1459Phe (NM_001099952.4); c.4358G>T, p.Cys1453Phe (NM_001168272.2); c.4331G>T, p.Cys1444Phe (NM_002222.7); short protein forms C1468F, C1444F, C1459F, C1453F.
Identifiers: ClinVar variation 2585386 (VCV002585386.1), dbSNP rs2094572919, ClinGen allele CA351632668.
Genomic context (GRCh38, chr3:4,697,268, plus strand): 5'-AGGAGATTTATACCAGCAATCACATGTGGAAATTGTTTGAGAATTTCCTTGTAGACATCT[G>T]CAGGGTAAGGCTTTTGGAACTGAGGAGGCAGAGTTGGAGAGTGAGAGGTGTGTGTGTGTG-3'
Protein context (NP_001365381.1, residues 1458-1478): KLFENFLVDI[Cys1468Phe]RACNNTSDRK